The following is an entry in ClinVar:

ClinVar aggregate classification (germline): Uncertain significance. Review status: criteria provided, multiple submitters, no conflicts (2 of 4 stars). 4 submissions from 4 submitters: Uncertain significance (4). Last evaluated 2026-04-14.

Conditions:
COL7A1-related disorder. Also called: COL7A1- related disorders; COL7A1-related condition.
Inborn genetic diseases. Identifiers: MedGen C0950123, MeSH D030342.

Allele frequency attached by ClinVar (database versions not stated): TOPMed below 0.00001; ExAC 0.00002; gnomAD 0.00002.
gnomAD v4.1: 100 of 1,613,848 alleles (0.0062%); highest among the groups gnomAD compares: Non-Finnish European, 0.0071%; no homozygotes.

Submissions (4):

Women's Health and Genetics/Laboratory Corporation of America, LabCorp
Classification: Uncertain significance. Last evaluated: 2026-04-14. Review status: criteria provided, single submitter. Criteria: LabCorp Variant Classification Summary - May 2015. Collection method: clinical testing. Allele origin: germline.

Ambry Genetics
Classification: Uncertain significance for Inborn genetic diseases. Last evaluated: 2025-12-15. Review status: criteria provided, single submitter. Criteria: Ambry Variant Classification Scheme 2023. Collection method: clinical testing. Allele origin: germline.

Labcorp Genetics (formerly Invitae), Labcorp
Classification: Uncertain significance. Last evaluated: 2024-11-04. Review status: criteria provided, single submitter. Criteria: Invitae Variant Classification Sherloc (09022015). Collection method: clinical testing. Allele origin: germline.
Comment: This sequence change replaces threonine, which is neutral and polar, with isoleucine, which is neutral and non-polar, at codon 325 of the COL7A1 protein (p.Thr325Ile). This variant is present in population databases (rs779525150, gnomAD 0.02%). This variant has not been reported in the literature in individuals affected with COL7A1-related conditions. ClinVar contains an entry for this variant (Variation ID: 2064205). Experimental studies and prediction algorithms are not available or were not evaluated, and the functional significance of this variant is currently unknown. In summary, the available evidence is currently insufficient to determine the role of this variant in disease. Therefore, it has been classified as a Variant of Uncertain Significance.

PreventionGenetics, part of Exact Sciences
Classification: Uncertain significance for COL7A1-related condition. Last evaluated: 2024-10-23. Review status: criteria provided, single submitter. Criteria: ACMG Guidelines, 2015. Collection method: clinical testing. Allele origin: germline.
Comment: The COL7A1 c.974C>T variant is predicted to result in the amino acid substitution p.Thr325Ile. To our knowledge, this variant has not been reported in the literature. This variant is reported in 0.020% of alleles in individuals of European (Finnish) descent in gnomAD. At this time, the clinical significance of this variant is uncertain due to the absence of conclusive functional and genetic evidence.

NM_000094.4(COL7A1):c.974C>T (p.Thr325Ile)

Gene: COL7A1 (collagen type VII alpha 1 chain; minus strand). Cytogenetic location: 3p21.31.
Variant type: single nucleotide variant.
Coding change: c.974C>T on transcript NM_000094.4 (MANE Select); coding-DNA position 974, C replaced by T.
Protein change: p.Thr325Ile; replaces threonine 325 with isoleucine.
Molecular consequence: missense variant.
Genome position (GRCh38, 1-based): chr3:48,592,572, G>A on the plus strand (C>T on the coding strand, the complement: COL7A1 is on the minus strand). VCF-style: chr3-48592572-G-A. GRCh37 (hg19) VCF-style: chr3-48630005-G-A.
Other names: short protein forms T325I.
Identifiers: ClinVar variation 2064205 (VCV002064205.6), dbSNP rs779525150, ClinGen allele CA2381384.
Genomic context (GRCh38, chr3:48,592,572, plus strand): 5'-GGGGGTACTGGGGTCGGGGGTTAGGTGAATGGGGTCAGAGGCTGGCAGAATTGCTCACTG[G>A]TCCGAGCTGTCCCGCTCACAGCCTCCCCGATGCTGTTGGCGTAGAGGGCAATCACAGTCA-3'
Protein context (NP_000085.1, residues 315-335): IGEAVSGTAR[Thr325Ile]TALEGPELTI